The following is an entry in ClinVar:

NM_004006.3(DMD):c.961-1G>T

Gene: DMD (dystrophin; minus strand). Cytogenetic location: Xp21.1.
Variant type: single nucleotide variant.
Coding change: c.961-1G>T on transcript NM_004006.3 (MANE Select); the canonical splice acceptor site of the intron before coding-DNA position 961, G replaced by T.
Molecular consequence: splice acceptor variant.
Genome position (GRCh38, 1-based): chrX:32,645,153, C>A on the plus strand (G>T on the coding strand, the complement: DMD is on the minus strand). VCF-style: chrX-32645153-C-A. GRCh37 (hg19) VCF-style: chrX-32663270-C-A.
Other names: c.937-1G>T (NM_000109.4); c.949-1G>T (NM_004009.3); c.592-1G>T (NM_004010.3).
Identifiers: ClinVar variation 3659332 (VCV003659332.2).

ClinVar aggregate classification (germline): Pathogenic (1 of 4 stars; one submission).

Conditions:
Duchenne muscular dystrophy (DMD). Also called: MUSCULAR DYSTROPHY, PSEUDOHYPERTROPHIC PROGRESSIVE, DUCHENNE TYPE; Duchenne Muscular Dystrophy (DMD). Identifiers: Orphanet 98896, MedGen C0013264, MONDO:0010679, OMIM 310200.

Submission:

Labcorp Genetics (formerly Invitae), Labcorp
Classification: Pathogenic for Duchenne muscular dystrophy. Last evaluated: 2024-07-12. Review status: criteria provided, single submitter. Criteria: Invitae Variant Classification Sherloc (09022015). Collection method: clinical testing. Allele origin: germline.
Comment: This sequence change affects an acceptor splice site in intron 9 of the DMD gene. It is expected to disrupt RNA splicing. Variants that disrupt the donor or acceptor splice site typically lead to a loss of protein function (PMID: 16199547), and loss-of-function variants in DMD are known to be pathogenic (PMID: 16770791, 25007885). This variant is not present in population databases (gnomAD no frequency). Disruption of this splice site has been observed in individual(s) with clinical features of DMD-related conditions (PMID: 21515508, 23536893; Invitae). Algorithms developed to predict the effect of sequence changes on RNA splicing suggest that this variant may disrupt the consensus splice site. For these reasons, this variant has been classified as Pathogenic.

Literature cited by the submitters: PubMed 16199547; PubMed 16770791; PubMed 25007885; PubMed 21515508; PubMed 23536893.